The following is an entry in ClinVar:

NM_032119.4(ADGRV1):c.10084C>T (p.Gln3362Ter)

Gene: ADGRV1 (adhesion G protein-coupled receptor V1; plus strand). Cytogenetic location: 5q14.3.
Variant type: single nucleotide variant.
Coding change: c.10084C>T on transcript NM_032119.4 (MANE Select); coding-DNA position 10084, C replaced by T.
Protein change: p.Gln3362Ter; replaces glutamine 3362 with a stop codon.
Molecular consequence: nonsense. On other transcripts: non-coding transcript variant (1).
Genome position (GRCh38, 1-based): chr5:90,725,579, C>T. VCF-style: chr5-90725579-C-T. GRCh37 (hg19) VCF-style: chr5-90021396-C-T.
Other names: short protein forms Q3362*.
Identifiers: ClinVar variation 2780061 (VCV002780061.3), dbSNP rs1580887937, ClinGen allele CA360403228.

ClinVar aggregate classification (germline): Pathogenic (1 of 4 stars; one submission).

Submission:

Labcorp Genetics (formerly Invitae), Labcorp
Classification: Pathogenic. Last evaluated: 2023-01-05. Review status: criteria provided, single submitter. Criteria: Invitae Variant Classification Sherloc (09022015). Collection method: clinical testing. Allele origin: germline.
Comment: This sequence change creates a premature translational stop signal (p.Gln3362*) in the ADGRV1 gene. It is expected to result in an absent or disrupted protein product. Loss-of-function variants in ADGRV1 are known to be pathogenic (PMID: 19357117, 22135276, 22147658, 26226137, 30718709, 31047384, 32467589). This variant is not present in population databases (gnomAD no frequency). For these reasons, this variant has been classified as Pathogenic. Algorithms developed to predict the effect of sequence changes on RNA splicing suggest that this variant may disrupt the consensus splice site. This premature translational stop signal has been observed in individual(s) with deafness (PMID: 32467589, 33105617).

Literature cited by the submitters: PubMed 19357117; PubMed 22135276; PubMed 22147658; PubMed 26226137; PubMed 30718709; PubMed 31047384; PubMed 32467589; PubMed 33105617.